The following is an entry in ClinVar:

ClinVar aggregate classification (germline): Uncertain significance (1 of 4 stars; one submission).

Conditions:
Heterotaxy, visceral, 4, autosomal (HTX4). Identifiers: Orphanet 450, MedGen C3151057, MONDO:0013403, OMIM 613751.

Submission:

Labcorp Genetics (formerly Invitae), Labcorp
Classification: Uncertain significance for Heterotaxy, visceral, 4, autosomal. Last evaluated: 2022-06-05. Review status: criteria provided, single submitter. Criteria: Invitae Variant Classification Sherloc (09022015). Collection method: clinical testing. Allele origin: germline.
Comment: ClinVar contains an entry for this variant (Variation ID: 1386729). In summary, the available evidence is currently insufficient to determine the role of this variant in disease. Therefore, it has been classified as a Variant of Uncertain Significance. Advanced modeling of protein sequence and biophysical properties (such as structural, functional, and spatial information, amino acid conservation, physicochemical variation, residue mobility, and thermodynamic stability) performed at Invitae indicates that this missense variant is expected to disrupt ACVR2B protein function. This missense change has been observed in individual(s) with heterotaxy and congenital heart disease (PMID: 30120289). This variant is present in population databases (rs750062087, gnomAD 0.02%). This sequence change replaces valine, which is neutral and non-polar, with methionine, which is neutral and non-polar, at codon 407 of the ACVR2B protein (p.Val407Met).

Literature cited by the submitters: PubMed 30120289.

NM_001106.4(ACVR2B):c.1219G>A (p.Val407Met)

Gene: ACVR2B (activin A receptor type 2B; plus strand). Cytogenetic location: 3p22.2.
Variant type: single nucleotide variant.
Coding change: c.1219G>A on transcript NM_001106.4 (MANE Select); coding-DNA position 1219, G replaced by A.
Protein change: p.Val407Met; replaces valine 407 with methionine.
Molecular consequence: missense variant.
Genome position (GRCh38, 1-based): chr3:38,482,435, G>A. VCF-style: chr3-38482435-G-A. GRCh37 (hg19) VCF-style: chr3-38523926-G-A.
Other names: short protein forms V407M.
Identifiers: ClinVar variation 1386729 (VCV001386729.6), dbSNP rs750062087, ClinGen allele CA2319030.